The following is an entry in ClinVar:

NM_001127208.3(TET2):c.2371T>G (p.Tyr791Asp)

Genes: TET2 (tet methylcytosine dioxygenase 2; plus strand), TET2-AS1 (TET2 antisense RNA 1; minus strand). Cytogenetic location: 4q24.
Variant type: single nucleotide variant.
Coding change: c.2371T>G on transcript NM_001127208.3 (MANE Select); coding-DNA position 2371, T replaced by G.
Protein change: p.Tyr791Asp; replaces tyrosine 791 with aspartic acid.
Molecular consequence: missense variant.
Genome position (GRCh38, 1-based): chr4:105,236,313, T>G. VCF-style: chr4-105236313-T-G. GRCh37 (hg19) VCF-style: chr4-106157470-T-G.
Other names: c.2371T>G, p.Tyr791Asp (NM_017628.4); short protein forms Y791D.
Identifiers: ClinVar variation 3805907 (VCV003805907.1).

ClinVar aggregate classification (germline): Uncertain significance (1 of 4 stars; one submission).

Submission:

Ambry Genetics
Classification: Uncertain significance. Last evaluated: 2024-12-28. Review status: criteria provided, single submitter. Criteria: Ambry Variant Classification Scheme 2023. Collection method: clinical testing. Allele origin: germline.
Comment: The p.Y791D variant (also known as c.2371T>G), located in coding exon 1 of the TET2 gene, results from a T to G substitution at nucleotide position 2371. The tyrosine at codon 791 is replaced by aspartic acid, an amino acid with highly dissimilar properties. This amino acid position is conserved. In addition, this alteration is predicted to be tolerated by in silico analysis. Based on the available evidence, the clinical significance of this variant remains unclear.